The following is an entry in ClinVar:

ClinVar aggregate classification (germline): Pathogenic. Review status: criteria provided, multiple submitters, no conflicts (2 of 4 stars). 3 submissions from 3 submitters: Pathogenic (3). Last evaluated 2023-05-02.

Conditions:
Hereditary cancer-predisposing syndrome. Also called: Hereditary neoplastic syndrome; Neoplastic Syndromes, Hereditary; Tumor predisposition; Hereditary Cancer Syndrome. Identifiers: Orphanet 140162, MedGen C0027672, MeSH D009386, MONDO:0015356.
Familial adenomatous polyposis 1 (FAP1). Also called: POLYPOSIS, ADENOMATOUS INTESTINAL; FAMILIAL ADENOMATOUS POLYPOSIS 1, ATTENUATED. Identifiers: MedGen C2713442, MONDO:0021056, OMIM 175100. Disease mechanism: loss of function.

Submissions (3):

Myriad Genetics, Inc.
Classification: Pathogenic for Familial adenomatous polyposis 1. Last evaluated: 2023-05-02. Review status: criteria provided, single submitter. Criteria: Myriad Autosomal Dominant, Autosomal Recessive and X-Linked Classification Criteria (2023). Collection method: clinical testing. Allele origin: unknown.
Comment: This variant is considered pathogenic. This variant creates a frameshift predicted to result in premature protein truncation.

Labcorp Genetics (formerly Invitae), Labcorp
Classification: Pathogenic for Familial adenomatous polyposis 1. Last evaluated: 2019-04-18. Review status: criteria provided, single submitter. Criteria: Invitae Variant Classification Sherloc (09022015). Collection method: clinical testing. Allele origin: germline.
Comment: While this particular variant has not been reported in the literature, loss-of-function variants in APC are known to be pathogenic (PMID: 20685668, 17963004). This sequence change inserts 1 nucleotide in exon 13 of the APC mRNA (c.1564dupA), causing a frameshift at codon 522. This creates a premature translational stop signal (p.Met522Asnfs*15) and is expected to result in an absent or disrupted protein product. For these reasons, this variant has been classified as Pathogenic.

Ambry Genetics
Classification: Pathogenic for Hereditary cancer-predisposing syndrome. Last evaluated: 2018-06-22. Review status: criteria provided, single submitter. Criteria: Ambry Variant Classification Scheme 2023. Collection method: clinical testing. Allele origin: germline.
Comment: The c.1564dupA pathogenic mutation, located in coding exon 12 of the APC gene, results from a duplication of A at nucleotide position 1564, causing a translational frameshift with a predicted alternate stop codon (p.M522Nfs*15). This alteration is expected to result in loss of function by premature protein truncation or nonsense-mediated mRNA decay. As such, this alteration is interpreted as a disease-causing mutation.

Literature cited by the submitters: PubMed 20685668 (cited by Labcorp Genetics (formerly Invitae), Labcorp); PubMed 17963004 (cited by Labcorp Genetics (formerly Invitae), Labcorp).

NM_000038.6(APC):c.1564dup (p.Met522fs)

Gene: APC (APC regulator of Wnt signaling pathway; plus strand). Cytogenetic location: 5q22.2.
Variant type: Duplication.
Coding change: c.1564dup on transcript NM_000038.6 (MANE Select); coding-DNA position 1564, one base duplicated (A; older notation c.1564dupA).
Protein change: p.Met522fs; shifts the reading frame from methionine 522.
Molecular consequence: frameshift variant.
Genome position (GRCh38, 1-based): chr5:112,827,944, A duplicated. VCF-style (leftmost placement, unchanged base first): chr5-112827943-T-TA. GRCh37 (hg19) VCF-style: chr5-112163640-T-TA.
Other names: c.1564dupA (NM_000038.5); c.1564dup, p.Met522fs (NM_001127510.3, NM_001354895.2); c.1510dup, p.Met504fs (NM_001127511.3); c.1618dup, p.Met540fs (NM_001354896.2); c.1594dup, p.Met532fs (NM_001354897.2); c.1489dup, p.Met497fs (NM_001354898.2); c.1480dup, p.Met494fs (NM_001354899.2); c.1441dup, p.Met481fs (NM_001354900.2); and 6 more; short protein forms M463fs, M522fs, M532fs, M239fs, M362fs, M497fs, M540fs, M396fs.
Identifiers: ClinVar variation 469713 (VCV000469713.13), dbSNP rs1554081884, ClinGen allele CA658655942.